The following is an entry in ClinVar:

ClinVar aggregate classification (germline): Uncertain significance (1 of 4 stars; one submission).

Submission:

Labcorp Genetics (formerly Invitae), Labcorp
Classification: Uncertain significance. Last evaluated: 2025-09-11. Review status: criteria provided, single submitter. Criteria: Invitae Variant Classification Sherloc (09022015). Collection method: clinical testing. Allele origin: germline.
Comment: This sequence change replaces lysine, which is basic and polar, with glutamine, which is neutral and polar, at codon 49 of the LMNB1 protein (p.Lys49Gln). This variant is not present in population databases (gnomAD no frequency). This variant has not been reported in the literature in individuals affected with LMNB1-related conditions. Invitae Evidence Modeling of protein sequence and biophysical properties (such as structural, functional, and spatial information, amino acid conservation, physicochemical variation, residue mobility, and thermodynamic stability) indicates that this missense variant is expected to disrupt LMNB1 protein function with a positive predictive value of 80%. In summary, the available evidence is currently insufficient to determine the role of this variant in disease. Therefore, it has been classified as a Variant of Uncertain Significance.

NM_005573.4(LMNB1):c.145A>C (p.Lys49Gln)

Gene: LMNB1 (lamin B1; plus strand). Cytogenetic location: 5q23.2.
Variant type: single nucleotide variant.
Coding change: c.145A>C on transcript NM_005573.4 (MANE Select); coding-DNA position 145, A replaced by C.
Protein change: p.Lys49Gln; replaces lysine 49 with glutamine.
Molecular consequence: missense variant. On other transcripts: non-coding transcript variant (2), intron variant (1).
Genome position (GRCh38, 1-based): chr5:126,777,653, A>C. VCF-style: chr5-126777653-A-C. GRCh37 (hg19) VCF-style: chr5-126113345-A-C.
Other names: c.-272+409A>C (NM_001198557.2); short protein forms K49Q.
Identifiers: ClinVar variation 4773686 (VCV004773686.1).